The following is an entry in ClinVar:

NM_033109.5(PNPT1):c.786_793del (p.Val263fs)

Gene: PNPT1 (polyribonucleotide nucleotidyltransferase 1; minus strand). Cytogenetic location: 2p16.1.
Variant type: Deletion.
Coding change: c.786_793del on transcript NM_033109.5 (MANE Select); coding-DNA positions 786 to 793, 8 bases deleted (GGTAAAAG; older notation c.786_793delGGTAAAAG).
Protein change: p.Val263fs; shifts the reading frame from valine 263.
Molecular consequence: frameshift variant.
Genome position (GRCh38, 1-based): chr2:55,672,966-55,672,973, CTTTTACC deleted on the plus strand (GGTAAAAG on the coding strand, the reverse complement: PNPT1 is on the minus strand). VCF-style (leftmost placement, unchanged base first): chr2-55672965-TCTTTTACC-T. GRCh37 (hg19) VCF-style: chr2-55900100-TCTTTTACC-T.
Other names: short protein forms V263fs.
Identifiers: ClinVar variation 2584419 (VCV002584419.1), dbSNP rs2529577004, ClinGen allele CA2582342394.

ClinVar aggregate classification (germline): Likely pathogenic (1 of 4 stars; one submission).

Conditions:
PNPT1-related disorder. Also called: PNPT1-related condition; PNPT1-related disorders.

Submission:

Rady Children's Institute for Genomic Medicine, Rady Children's Hospital San Diego
Classification: Likely pathogenic for PNPT1-Related Disorders. Review status: criteria provided, single submitter. Criteria: ACMG Guidelines, 2015. Collection method: clinical testing. Allele origin: germline. Affected: yes.
Comment: This frameshifting variant in exon 9 of 28 introduces a premature stop codon and is therefore predicted to result in loss of normal protein function through either protein truncation or nonsense-mediated mRNA decay (NMD). This variant has not been previously reported or functionally characterized in the literature to our knowledge. Loss-of-function variation in PNPT1 is an established mechanism of disease (PMID: 28594066, 30244537). The c.786_793delins (p.Leu262Phefs*27) variant is absent from the gnomAD population database and thus is presumed to be rare. Based on the available evidence, the c.786_793delins (p.Leu262Phefs*27) variant is classified as Likely Pathogenic.